The following is an entry in ClinVar:

NM_001470.4(GABBR1):c.2257T>A (p.Ser753Thr)

Gene: GABBR1 (gamma-aminobutyric acid type B receptor subunit 1; minus strand). Cytogenetic location: 6p22.1.
Variant type: single nucleotide variant.
Coding change: c.2257T>A on transcript NM_001470.4 (MANE Select); coding-DNA position 2257, T replaced by A.
Protein change: p.Ser753Thr; replaces serine 753 with threonine.
Molecular consequence: missense variant.
Genome position (GRCh38, 1-based): chr6:29,606,445, A>T on the plus strand (T>A on the coding strand, the complement: GABBR1 is on the minus strand). VCF-style: chr6-29606445-A-T. GRCh37 (hg19) VCF-style: chr6-29574222-A-T.
Other names: c.1726T>A, p.Ser576Thr (NM_001319053.2); c.1906T>A, p.Ser636Thr (NM_021903.3); c.2071T>A, p.Ser691Thr (NM_021904.4); short protein forms S576T, S636T, S691T, S753T.
Identifiers: ClinVar variation 3377953 (VCV003377953.1).

ClinVar aggregate classification (germline): Uncertain significance (1 of 4 stars; one submission).

Submission:

GeneDx
Classification: Uncertain significance. Last evaluated: 2024-05-17. Review status: criteria provided, single submitter. Criteria: GeneDx Variant Classification Process June 2021. Collection method: clinical testing. Allele origin: germline. Affected: yes.
Comment: Not observed at significant frequency in large population cohorts (gnomAD); In silico analysis indicates that this missense variant does not alter protein structure/function; Has not been previously published as pathogenic or benign to our knowledge